The following is an entry in ClinVar:

ClinVar aggregate classification (germline): Uncertain significance (1 of 4 stars; one submission).

Conditions:
Glanzmann thrombasthenia. Also called: Glanzmann's thrombasthenia; BLEEDING DISORDER, PLATELET-TYPE, 2; THROMBASTHENIA OF GLANZMANN AND NAEGELI; Thrombasthenia; PLATELET GLYCOPROTEIN IIb-IIIa DEFICIENCY. Identifiers: Orphanet 849, MedGen C0040015, MONDO:0100326.

Submission:

Labcorp Genetics (formerly Invitae), Labcorp
Classification: Uncertain significance for Glanzmann thrombasthenia. Last evaluated: 2024-08-21. Review status: criteria provided, single submitter. Criteria: Invitae Variant Classification Sherloc (09022015). Collection method: clinical testing. Allele origin: germline.
Comment: This variant, c.2125_2127del, results in the deletion of 1 amino acid(s) of the ITGA2B protein (p.Lys709del), but otherwise preserves the integrity of the reading frame. This variant is not present in population databases (gnomAD no frequency). This variant has not been reported in the literature in individuals affected with ITGA2B-related conditions. Experimental studies and prediction algorithms are not available or were not evaluated, and the functional significance of this variant is currently unknown. In summary, the available evidence is currently insufficient to determine the role of this variant in disease. Therefore, it has been classified as a Variant of Uncertain Significance.

NM_000419.5(ITGA2B):c.2122AAG[1] (p.Lys709del)

Gene: ITGA2B (integrin subunit alpha 2b; minus strand). Cytogenetic location: 17q21.31.
Variant type: Microsatellite.
Coding change: c.2122AAG[1] on transcript NM_000419.5 (MANE Select); one copy of the 3-base unit AAG starting at c.2122; the reference has two copies in a row; one copy, 3 bases deleted.
Protein change: p.Lys709del; deletes lysine 709.
Genome position (GRCh38, 1-based): chr17:44,377,758-44,377,760, CTT deleted on the plus strand (AAG on the coding strand, the reverse complement: ITGA2B is on the minus strand); deleting any 3 consecutive bases within chr17:44,377,758-44,377,765 gives the same sequence; the position shown is the placement nearest the transcript's 3' end. VCF-style (leftmost placement, unchanged base first): chr17-44377757-CCTT-C. GRCh37 (hg19) VCF-style: chr17-42455125-CCTT-C.
Other names: short protein forms K709del.
Identifiers: ClinVar variation 3712538 (VCV003712538.2).